The following is an entry in ClinVar:

NM_006767.4(LZTR1):c.1568T>C (p.Val523Ala)

Gene: LZTR1 (leucine zipper like post translational regulator 1; plus strand). Cytogenetic location: 22q11.21.
Variant type: single nucleotide variant.
Coding change: c.1568T>C on transcript NM_006767.4 (MANE Select); coding-DNA position 1568, T replaced by C.
Protein change: p.Val523Ala; replaces valine 523 with alanine.
Molecular consequence: missense variant.
Genome position (GRCh38, 1-based): chr22:20,994,222, T>C. VCF-style: chr22-20994222-T-C. GRCh37 (hg19) VCF-style: chr22-21348511-T-C.
Other names: short protein forms V523A.
Identifiers: ClinVar variation 3541621 (VCV003541621.2).
Genomic context (GRCh38, chr22:20,994,222, plus strand): 5'-GGGCCCGGCCGCCCCTGCTGCACGTGGCCATCCGGGAGGCCGAGGCCCGGCCCTTCGAGG[T>C]GCTCATGCAGTTCCTCTACACCGACAAGATCAAATACCCACGGAAAGGTCCGCCTGGGTG-3'
Protein context (NP_006758.2, residues 513-533): IREAEARPFE[Val523Ala]LMQFLYTDKI

ClinVar aggregate classification (germline): Uncertain significance. Review status: criteria provided, multiple submitters, no conflicts (2 of 4 stars). 2 submissions from 2 submitters: Uncertain significance (2). Last evaluated 2025-12-28.

Conditions:
Hereditary cancer-predisposing syndrome. Also called: Hereditary Cancer Syndrome; Hereditary neoplastic syndrome; Tumor predisposition; Neoplastic Syndromes, Hereditary. Identifiers: Orphanet 140162, MedGen C0027672, MeSH D009386, MONDO:0015356.
Cardiovascular phenotype. Identifiers: MedGen CN230736.

Submissions (2):

Labcorp Genetics (formerly Invitae), Labcorp
Classification: Uncertain significance. Last evaluated: 2025-12-28. Review status: criteria provided, single submitter. Criteria: Invitae Variant Classification Sherloc (09022015). Collection method: clinical testing. Allele origin: germline.
Comment: This sequence change replaces valine, which is neutral and non-polar, with alanine, which is neutral and non-polar, at codon 523 of the LZTR1 protein (p.Val523Ala). This variant is not present in population databases (gnomAD no frequency). This variant has not been reported in the literature in individuals affected with LZTR1-related conditions. ClinVar contains an entry for this variant (Variation ID: 3541621). Invitae Evidence Modeling of protein sequence and biophysical properties (such as structural, functional, and spatial information, amino acid conservation, physicochemical variation, residue mobility, and thermodynamic stability) indicates that this missense variant is not expected to disrupt LZTR1 protein function with a negative predictive value of 80%. In summary, the available evidence is currently insufficient to determine the role of this variant in disease. Therefore, it has been classified as a Variant of Uncertain Significance.

Ambry Genetics
Classification: Uncertain significance for Cardiovascular phenotype; Hereditary cancer-predisposing syndrome. Last evaluated: 2024-09-05. Review status: criteria provided, single submitter. Criteria: Ambry Variant Classification Scheme 2023. Collection method: clinical testing. Allele origin: germline.
Comment: The p.V523A variant (also known as c.1568T>C), located in coding exon 14 of the LZTR1 gene, results from a T to C substitution at nucleotide position 1568. The valine at codon 523 is replaced by alanine, an amino acid with similar properties. This amino acid position is conserved. In addition, this alteration is predicted to be tolerated by in silico analysis. Based on the available evidence, the clinical significance of this variant remains unclear.